The following is an entry in ClinVar:

ClinVar aggregate classification (germline): Pathogenic (1 of 4 stars; one submission).

Conditions:
Hereditary cancer-predisposing syndrome. Also called: Tumor predisposition; Hereditary neoplastic syndrome; Neoplastic Syndromes, Hereditary; Hereditary Cancer Syndrome. Identifiers: Orphanet 140162, MedGen C0027672, MeSH D009386, MONDO:0015356.

Submission:

Ambry Genetics
Classification: Pathogenic for Hereditary cancer-predisposing syndrome. Last evaluated: 2018-03-22. Review status: criteria provided, single submitter. Criteria: Ambry Variant Classification Scheme 2023. Collection method: clinical testing. Allele origin: germline.
Comment: The c.1433delC pathogenic mutation, located in coding exon 9 of the BRCA2 gene, results from a deletion of one nucleotide at nucleotide position 1433, causing a translational frameshift with a predicted alternate stop codon (p.T478Kfs*7). This alteration is expected to result in loss of function by premature protein truncation or nonsense-mediated mRNA decay. As such, this alteration is interpreted as a disease-causing mutation.

NM_000059.4(BRCA2):c.1433del (p.Thr478fs)

Gene: BRCA2 (BRCA2 DNA repair associated; plus strand). Cytogenetic location: 13q13.1.
Variant type: Deletion.
Coding change: c.1433del on transcript NM_000059.4 (MANE Select); coding-DNA position 1433, one base deleted (C; older notation c.1433delC).
Protein change: p.Thr478fs; shifts the reading frame from threonine 478.
Molecular consequence: frameshift variant.
Genome position (GRCh38, 1-based): chr13:32,332,911, C deleted. VCF-style (leftmost placement, unchanged base first): chr13-32332910-AC-A. GRCh37 (hg19) VCF-style: chr13-32907047-AC-A.
Other names: short protein forms T478fs.
Identifiers: ClinVar variation 819201 (VCV000819201.4), dbSNP rs1593892854, ClinGen allele CA915946959.